The following is an entry in ClinVar:

ClinVar aggregate classification (germline): Uncertain significance. Review status: criteria provided, multiple submitters, no conflicts (2 of 4 stars). 2 submissions from 2 submitters: Uncertain significance (2). Last evaluated 2024-06-13.

Conditions:
Charcot-Marie-Tooth disease type 4B3. Also called: CHARCOT-MARIE-TOOTH DISEASE, DEMYELINATING, TYPE 4B3; Charcot-Marie-Tooth Neuropathy Type 4B3. Identifiers: Orphanet 363981, MedGen C3695063, MONDO:0014117, OMIM 615284.

Allele frequency attached by ClinVar (database versions not stated): ExAC 0.00001; gnomAD 0.00001; gnomAD exomes 0.00001 and 0.00002; TOPMed 0.00001; ESP Exome Variant Server 0.00008.

Submissions (2):

Fulgent Genetics
Classification: Uncertain significance for Charcot-Marie-Tooth disease type 4B3. Last evaluated: 2024-06-13. Review status: criteria provided, single submitter. Criteria: ACMG Guidelines, 2015. Collection method: clinical testing. Allele origin: germline.

Labcorp Genetics (formerly Invitae), Labcorp
Classification: Uncertain significance. Last evaluated: 2022-01-11. Review status: criteria provided, single submitter. Criteria: Invitae Variant Classification Sherloc (09022015). Collection method: clinical testing. Allele origin: germline.
Comment: This sequence change falls in intron 33 of the SBF1 gene. It does not directly change the encoded amino acid sequence of the SBF1 protein. It affects a nucleotide within the consensus splice site. This variant is present in population databases (rs369895606, gnomAD 0.002%). This variant has been observed in individual(s) with clinical features of SBF1-related conditions (Invitae). In at least one individual the data is consistent with being in trans (on the opposite chromosome) from a pathogenic variant. Variants that disrupt the consensus splice site are a relatively common cause of aberrant splicing (PMID: 17576681, 9536098). Algorithms developed to predict the effect of sequence changes on RNA splicing suggest that this variant may create or strengthen a splice site. In summary, the available evidence is currently insufficient to determine the role of this variant in disease. Therefore, it has been classified as a Variant of Uncertain Significance.

Literature cited by the submitters: PubMed 17576681 (cited by Labcorp Genetics (formerly Invitae), Labcorp); PubMed 9536098 (cited by Labcorp Genetics (formerly Invitae), Labcorp).

NM_002972.4(SBF1):c.4554+6C>T

Gene: SBF1 (SET binding factor 1; minus strand). Cytogenetic location: 22q13.33.
Variant type: single nucleotide variant.
Coding change: c.4554+6C>T on transcript NM_002972.4 (MANE Select); 6 bases into the intron after coding-DNA position 4554, C replaced by T.
Molecular consequence: intron variant.
Genome position (GRCh38, 1-based): chr22:50,455,218, G>A on the plus strand (C>T on the coding strand, the complement: SBF1 is on the minus strand). VCF-style: chr22-50455218-G-A. GRCh37 (hg19) VCF-style: chr22-50893647-G-A.
Other names: c.4479+6C>T (NM_001365819.1).
Identifiers: ClinVar variation 1356647 (VCV001356647.4), dbSNP rs369895606, ClinGen allele CA10316227.